The following is an entry in ClinVar:

ClinVar aggregate classification (germline): Uncertain significance (1 of 4 stars; one submission).

Conditions:
Inborn genetic diseases. Identifiers: MedGen C0950123, MeSH D030342.

gnomAD v4.1: 2 of 1,613,494 alleles (0.00012%); highest among the groups gnomAD compares: Non-Finnish European, 0.000085%; no homozygotes.

Submission:

Ambry Genetics
Classification: Uncertain significance for Inborn genetic diseases. Last evaluated: 2026-07-13. Review status: criteria provided, single submitter. Criteria: Ambry Variant Classification Scheme 2023. Collection method: clinical testing. Allele origin: germline.
Comment: The p.L266P variant (also known as c.797T>C), located in coding exon 7 of the ANKRD26 gene, results from a T to C substitution at nucleotide position 797. The leucine at codon 266 is replaced by proline, an amino acid with similar properties. This amino acid position is conserved. In addition, this alteration is predicted to be tolerated by in silico analysis. Based on the available evidence, the clinical significance of this variant remains unclear.

NM_014915.3(ANKRD26):c.797T>C (p.Leu266Pro)

Gene: ANKRD26 (ankyrin repeat domain 26; minus strand). Cytogenetic location: 10p12.1.
Variant type: single nucleotide variant.
Coding change: c.797T>C on transcript NM_014915.3 (MANE Select); coding-DNA position 797, T replaced by C.
Protein change: p.Leu266Pro; replaces leucine 266 with proline.
Molecular consequence: missense variant.
Genome position (GRCh38, 1-based): chr10:27,079,105, A>G on the plus strand (T>C on the coding strand, the complement: ANKRD26 is on the minus strand). VCF-style: chr10-27079105-A-G. GRCh37 (hg19) VCF-style: chr10-27368034-A-G.
Other names: c.797T>C, p.Leu266Pro (NM_001256053.2); short protein forms L266P.
Identifiers: ClinVar variation 5023010 (VCV005023010.1).